The following is an entry in ClinVar:

NC_000019.9:g.(?_18177332)_(18177527_?)del

Gene: IL12RB1 (interleukin 12 receptor subunit beta 1; minus strand). Cytogenetic location: 19p13.11.
Variant type: Deletion.
Identifiers: ClinVar variation 1456084 (VCV001456084.7).

ClinVar aggregate classification (germline): Pathogenic (1 of 4 stars; one submission).

Conditions:
Mendelian susceptibility to mycobacterial diseases due to complete IL12RB1 deficiency. Also called: IL12RB1 DEFICIENCY; Immunodeficiency 30. Identifiers: Orphanet 319552, MedGen C4013949, MONDO:0013955, OMIM 614891.

Submission:

Labcorp Genetics (formerly Invitae), Labcorp
Classification: Pathogenic for Mendelian susceptibility to mycobacterial diseases due to complete IL12RB1 deficiency. Last evaluated: 2022-01-15. Review status: criteria provided, single submitter. Criteria: Invitae Variant Classification Sherloc (09022015). Collection method: clinical testing. Allele origin: germline.
Comment: This variant is a gross deletion of the genomic region encompassing exon(s) 12 of the IL12RB1 gene. This variant would be expected to be in-frame, preserving the integrity of the reading frame. A similar copy number variant has been observed in individual(s) with Mendelian susceptibility to mycobacterial disease (PMID: 29995221). In at least one individual the data is consistent with being in trans (on the opposite chromosome) from a pathogenic variant. For these reasons, this variant has been classified as Pathogenic.

Literature cited by the submitters: PubMed 29995221.